The following is an entry in ClinVar:

NM_001170629.2(CHD8):c.2731-24_2731-7delinsCTAAGCATGAAG

Gene: CHD8 (chromodomain helicase DNA binding protein 8; minus strand). Cytogenetic location: 14q11.2.
Variant type: Indel.
Coding change: c.2731-24_2731-7delinsCTAAGCATGAAG on transcript NM_001170629.2 (MANE Select); 24 bases into the intron before coding-DNA position 2731 through 7 bases into the intron before coding-DNA position 2731, TGACTTTACTGCCTTCAT replaced by CTAAGCATGAAG.
Molecular consequence: intron variant.
Genome position (GRCh38, 1-based): chr14:21,407,039-21,407,056, ATGAAGGCAGTAAAGTCA replaced by CTTCATGCTTAG on the plus strand (TGACTTTACTGCCTTCAT replaced by CTAAGCATGAAG on the coding strand, the reverse complement: CHD8 is on the minus strand). VCF-style: chr14-21407039-ATGAAGGCAGTAAAGTCA-CTTCATGCTTAG. GRCh37 (hg19) VCF-style: chr14-21875198-ATGAAGGCAGTAAAGTCA-CTTCATGCTTAG.
Other names: c.1894-24_1894-7delinsCTAAGCATGAAG (NM_020920.4).
Identifiers: ClinVar variation 2446491 (VCV002446491.1), dbSNP rs2501918176, ClinGen allele CA2580087840.
Genomic context (GRCh38, chr14:21,407,039, plus strand): 5'-CTCAAAAGTGGTGATCAGAGCGTCAAACTTGTATGCGCCTGGGATGAGGCGTCCCTAAGC[ATGAAGGCAGTAAAGTCA>CTTCATGCTTAG]GAAAAAACCAAAAATGTACCTAAATGAGGAGCTTTTCTGAATTACTTGCCTATATTAAGG-3'

ClinVar aggregate classification (germline): Uncertain significance (1 of 4 stars; one submission).

Submission:

GeneDx
Classification: Uncertain significance. Last evaluated: 2022-10-01. Review status: criteria provided, single submitter. Criteria: GeneDx Variant Classification Process June 2021. Collection method: clinical testing. Allele origin: germline. Affected: yes.
Comment: Not observed at significant frequency in large population cohorts (gnomAD); In silico analysis supports a deleterious effect on splicing; Has not been previously published as pathogenic or benign to our knowledge